The following is an entry in ClinVar:

ClinVar aggregate classification (germline): Uncertain significance (1 of 4 stars; one submission).

Allele frequency attached by ClinVar (database versions not stated): gnomAD exomes below 0.00001; TOPMed below 0.00001; gnomAD 0.00001.
gnomAD v4.1: 3 of 1,613,916 alleles (0.00019%); highest among the groups gnomAD compares: Non-Finnish European, 0.00025%; no homozygotes.

Submission:

Labcorp Genetics (formerly Invitae), Labcorp
Classification: Uncertain significance. Last evaluated: 2022-03-04. Review status: criteria provided, single submitter. Criteria: Invitae Variant Classification Sherloc (09022015). Collection method: clinical testing. Allele origin: germline.
Comment: This sequence change replaces glutamic acid, which is acidic and polar, with aspartic acid, which is acidic and polar, at codon 244 of the MS4A1 protein (p.Glu244Asp). This variant is present in population databases (no rsID available, gnomAD 0.0009%). This variant has not been reported in the literature in individuals affected with MS4A1-related conditions. Algorithms developed to predict the effect of missense changes on protein structure and function output the following: SIFT: "Deleterious"; PolyPhen-2: "Benign"; Align-GVGD: "Class C15". The aspartic acid amino acid residue is found in multiple mammalian species, which suggests that this missense change does not adversely affect protein function. In summary, the available evidence is currently insufficient to determine the role of this variant in disease. Therefore, it has been classified as a Variant of Uncertain Significance.

NM_152866.3(MS4A1):c.732A>C (p.Glu244Asp)

Gene: MS4A1 (membrane spanning 4-domains A1; plus strand). Cytogenetic location: 11q12.2.
Variant type: single nucleotide variant.
Coding change: c.732A>C on transcript NM_152866.3 (MANE Select); coding-DNA position 732, A replaced by C.
Protein change: p.Glu244Asp; replaces glutamic acid 244 with aspartic acid.
Molecular consequence: missense variant.
Genome position (GRCh38, 1-based): chr11:60,468,306, A>C. VCF-style: chr11-60468306-A-C. GRCh37 (hg19) VCF-style: chr11-60235779-A-C.
Other names: c.732A>C, p.Glu244Asp (NM_021950.4, NM_152867.2); short protein forms E244D.
Identifiers: ClinVar variation 2068697 (VCV002068697.4), dbSNP rs1485147608, ClinGen allele CA380600782.